The following is an entry in ClinVar:

NM_001272071.2(AP1S2):c.464A>T (p.Glu155Val)

Gene: AP1S2 (adaptor related protein complex 1 subunit sigma 2; minus strand). Cytogenetic location: Xp22.2.
Variant type: single nucleotide variant.
Coding change: c.464A>T on transcript NM_001272071.2 (MANE Select); coding-DNA position 464, A replaced by T.
Protein change: p.Glu155Val; replaces glutamic acid 155 with valine.
Molecular consequence: missense variant. On other transcripts: 3 prime UTR variant (1).
Genome position (GRCh38, 1-based): chrX:15,827,344, T>A on the plus strand (A>T on the coding strand, the complement: AP1S2 is on the minus strand). VCF-style: chrX-15827344-T-A. GRCh37 (hg19) VCF-style: chrX-15845467-T-A.
Other names: NC_000023.10:g.15845467T>A; c.455A>T (NM_003916.3); c.*79A>T (NM_001440865.1); c.455A>T, p.Glu152Val (NM_003916.5); short protein forms E155V, E152V.
Identifiers: ClinVar variation 4481397 (VCV004481397.2).
Genomic context (GRCh38, chrX:15,827,344, plus strand): 5'-TGTGTGAAATGCCACAAGAAGTCATCAACAAGGGAGGAGAGTTATGTCAGTCCAATTTCT[T>A]CAAGAACACTACGTGGGGTTTCAGCTTCCTGTGGAGGGAAAATGTGAGACTCTGGTAAGC-3'
Protein context (NP_001259000.1, residues 145-160): KEAETPRSVL[Glu155Val]EIGLT

ClinVar aggregate classification (germline): Uncertain significance (1 of 4 stars; one submission).

Submissions (2):

GeneDx
Classification: Uncertain significance. Last evaluated: 2025-06-11. Review status: criteria provided, single submitter. Criteria: GeneDx Variant Classification Process June 2021. Collection method: clinical testing. Allele origin: germline. Affected: yes.
Comment: Not observed at significant frequency in large population cohorts (gnomAD); In silico analysis supports that this missense variant has a deleterious effect on protein structure/function; In silico analysis supports a deleterious effect on splicing; Has not been previously published as pathogenic or benign to our knowledge

Dr. Peter K. Rogan Lab, Western University
No classification provided (evidence only). Condition: Nonpapillary renal cell carcinoma. Review status: no classification provided. Collection method: in vitro. Allele origin: not applicable. Functional consequence: retained intron. Not counted in ClinVar's aggregate classification.